The following is an entry in ClinVar:

ClinVar aggregate classification (germline): Uncertain significance (1 of 4 stars; one submission).

Conditions:
Familial cancer of breast. Also called: Hereditary breast cancer; hereditary breast carcinoma; BREAST CANCER, FAMILIAL. Identifiers: Orphanet 227535, MedGen C0346153, MONDO:0016419, OMIM 114480. Disease mechanism: loss of function.

Submission:

Labcorp Genetics (formerly Invitae), Labcorp
Classification: Uncertain significance for Familial cancer of breast. Last evaluated: 2024-12-24. Review status: criteria provided, single submitter. Criteria: Invitae Variant Classification Sherloc (09022015). Collection method: clinical testing. Allele origin: germline.
Comment: This sequence change replaces asparagine, which is neutral and polar, with serine, which is neutral and polar, at codon 138 of the BARD1 protein (p.Asn138Ser). This variant is not present in population databases (gnomAD no frequency). This variant has not been reported in the literature in individuals affected with BARD1-related conditions. An algorithm developed to predict the effect of missense changes on protein structure and function outputs the following: PolyPhen-2: "Benign". The serine amino acid residue is found in multiple mammalian species, which suggests that this missense change does not adversely affect protein function. In summary, the available evidence is currently insufficient to determine the role of this variant in disease. Therefore, it has been classified as a Variant of Uncertain Significance.

NM_000465.4(BARD1):c.413A>G (p.Asn138Ser)

Gene: BARD1 (BRCA1 associated RING domain 1; minus strand). Cytogenetic location: 2q35.
Variant type: single nucleotide variant.
Coding change: c.413A>G on transcript NM_000465.4 (MANE Select); coding-DNA position 413, A replaced by G.
Protein change: p.Asn138Ser; replaces asparagine 138 with serine.
Molecular consequence: missense variant. On other transcripts: non-coding transcript variant (2), intron variant (3).
Genome position (GRCh38, 1-based): chr2:214,781,461, T>C on the plus strand (A>G on the coding strand, the complement: BARD1 is on the minus strand). VCF-style: chr2-214781461-T-C. GRCh37 (hg19) VCF-style: chr2-215646185-T-C.
Other names: c.356A>G, p.Asn119Ser (NM_001282543.2); c.158+27951A>G (NM_001282548.2); c.215+15600A>G (NM_001282545.2); c.364+10836A>G (NM_001282549.2); short protein forms N119S, N138S.
Identifiers: ClinVar variation 3676377 (VCV003676377.2).